The following is an entry in ClinVar:

ClinVar aggregate classification (germline): Likely benign (0 of 4 stars; one submission).

Conditions:
ARSD-related disorder. Also called: ARSD-related condition.

Submission:

PreventionGenetics, part of Exact Sciences
Classification: Likely benign for ARSD-related condition. Last evaluated: 2020-07-31. Review status: no assertion criteria provided. Collection method: clinical testing. Allele origin: germline.
Comment: This variant is classified as likely benign based on ACMG/AMP sequence variant interpretation guidelines (Richards et al. 2015 PMID: 25741868, with internal and published modifications).

NM_001669.4(ARSD):c.701_709del (p.Ala234_Val236del)

Gene: ARSD (arylsulfatase D; minus strand). Cytogenetic location: Xp22.33.
Variant type: Deletion.
Coding change: c.701_709del on transcript NM_001669.4 (MANE Select); coding-DNA positions 701 to 709, 9 bases deleted (CCGGCGTGG; older notation c.701_709delCCGGCGTGG).
Protein change: p.Ala234_Val236del.
Genome position (GRCh38, 1-based): chrX:2,917,958-2,917,966, CCACGCCGG deleted on the plus strand (CCGGCGTGG on the coding strand, the reverse complement: ARSD is on the minus strand); deleting any 9 consecutive bases within chrX:2,917,958-2,917,969 gives the same sequence; the c. name uses the placement nearest the transcript's 3' end. VCF-style (leftmost placement, unchanged base first): chrX-2917957-CCCACGCCGG-C. GRCh37 (hg19) VCF-style: chrX-2835998-CCCACGCCGG-C.
Other names: c.701_709del, p.Ala234_Val236del (NM_009589.5).
Identifiers: ClinVar variation 3058914 (VCV003058914.2), dbSNP rs113556864, ClinGen allele CA10337705.